The following is an entry in ClinVar:

NM_030928.4(CDT1):c.683G>A (p.Arg228His)

Gene: CDT1 (chromatin licensing and DNA replication factor 1; plus strand). Cytogenetic location: 16q24.3.
Variant type: single nucleotide variant.
Coding change: c.683G>A on transcript NM_030928.4 (MANE Select); coding-DNA position 683, G replaced by A.
Protein change: p.Arg228His; replaces arginine 228 with histidine.
Molecular consequence: missense variant.
Genome position (GRCh38, 1-based): chr16:88,805,634, G>A. VCF-style: chr16-88805634-G-A. GRCh37 (hg19) VCF-style: chr16-88872042-G-A.
Other names: c.683G>A (NM_030928.3); short protein forms R228H.
Identifiers: ClinVar variation 1006017 (VCV001006017.10), dbSNP rs750025399, ClinGen allele CA8233753.

ClinVar aggregate classification (germline): Uncertain significance. Review status: criteria provided, multiple submitters, no conflicts (2 of 4 stars). 2 submissions from 2 submitters: Uncertain significance (2). Last evaluated 2023-02-14.

Conditions:
Inborn genetic diseases. Identifiers: MedGen C0950123, MeSH D030342.

Allele frequency attached by ClinVar (database versions not stated): ExAC 0.00001; gnomAD 0.00001; TOPMed 0.00001; gnomAD exomes 0.00002.
gnomAD v4.1: 10 of 1,612,614 alleles (0.00062%); highest among the groups gnomAD compares: East Asian, 0.0045%; no homozygotes.

Submissions (2):

Ambry Genetics
Classification: Uncertain significance for Inborn genetic diseases. Last evaluated: 2023-02-14. Review status: criteria provided, single submitter. Criteria: Ambry Variant Classification Scheme 2023. Collection method: clinical testing. Allele origin: germline.

Labcorp Genetics (formerly Invitae), Labcorp
Classification: Uncertain significance. Last evaluated: 2021-01-28. Review status: criteria provided, single submitter. Criteria: Invitae Variant Classification Sherloc (09022015). Collection method: clinical testing. Allele origin: germline.
Comment: In summary, the available evidence is currently insufficient to determine the role of this variant in disease. Therefore, it has been classified as a Variant of Uncertain Significance. Algorithms developed to predict the effect of missense changes on protein structure and function output the following: SIFT: "Tolerated"; PolyPhen-2: "Benign"; Align-GVGD: "Class C0". The histidine amino acid residue is found in multiple mammalian species, suggesting that this missense change does not adversely affect protein function. These predictions have not been confirmed by published functional studies and their clinical significance is uncertain. This variant has not been reported in the literature in individuals with CDT1-related conditions. This variant is present in population databases (rs750025399, ExAC 0.01%). This sequence change replaces arginine with histidine at codon 228 of the CDT1 protein (p.Arg228His). The arginine residue is moderately conserved and there is a small physicochemical difference between arginine and histidine.